The following is an entry in ClinVar:

NM_002471.4(MYH6):c.4360-2del

Gene: MYH6 (myosin heavy chain 6; minus strand). Cytogenetic location: 14q11.2.
Variant type: Deletion.
Coding change: c.4360-2del on transcript NM_002471.4 (MANE Select); the canonical splice acceptor site of the intron before coding-DNA position 4360, one base deleted (A; older notation c.4360-2delA).
Molecular consequence: splice acceptor variant.
Genome position (GRCh38, 1-based): chr14:23,387,925, T deleted on the plus strand (A on the coding strand, the reverse complement: MYH6 is on the minus strand). VCF-style (leftmost placement, unchanged base first): chr14-23387924-CT-C. GRCh37 (hg19) VCF-style: chr14-23857133-CT-C.
Identifiers: ClinVar variation 1009209 (VCV001009209.7), dbSNP rs1891086272, ClinGen allele CA2123410955.

ClinVar aggregate classification (germline): Uncertain significance (1 of 4 stars; one submission).

Conditions:
Hypertrophic cardiomyopathy 14. Identifiers: MedGen C2750467, MONDO:0013197, OMIM 613251.

Submission:

Labcorp Genetics (formerly Invitae), Labcorp
Classification: Uncertain significance for Hypertrophic cardiomyopathy 14. Last evaluated: 2020-04-16. Review status: criteria provided, single submitter. Criteria: Invitae Variant Classification Sherloc (09022015). Collection method: clinical testing. Allele origin: germline.
Comment: This sequence change affects an acceptor splice site in intron 30 of the MYH6 gene. It is expected to disrupt RNA splicing and likely results in an absent or disrupted protein product. This variant is not present in population databases (ExAC no frequency). This variant has not been reported in the literature in individuals with MYH6-related conditions. Algorithms developed to predict the effect of sequence changes on RNA splicing suggest that this variant may disrupt the consensus splice site, but this prediction has not been confirmed by published transcriptional studies. The current clinical and genetic evidence is not sufficient to establish whether loss-of-function variants in MYH6 cause disease. In summary, the available evidence is currently insufficient to determine the role of this variant in disease. Therefore, it has been classified as a Variant of Uncertain Significance.